The following is an entry in ClinVar:

ClinVar aggregate classification (germline): Uncertain significance. Review status: criteria provided, multiple submitters, no conflicts (2 of 4 stars). 2 submissions from 2 submitters: Uncertain significance (2). Last evaluated 2022-09-27.

Allele frequency attached by ClinVar (database versions not stated): gnomAD 0.00005; ExAC 0.00003; TOPMed 0.00005.
gnomAD v4.1: 57 of 1,610,706 alleles (0.0035%); highest among the groups gnomAD compares: Middle Eastern, 0.016%; no homozygotes.

Submissions (2):

Ambry Genetics
Classification: Uncertain significance. Last evaluated: 2022-09-27. Review status: criteria provided, single submitter. Criteria: Ambry Variant Classification Scheme 2023. Collection method: clinical testing. Allele origin: germline.

Labcorp Genetics (formerly Invitae), Labcorp
Classification: Uncertain significance. Last evaluated: 2022-08-01. Review status: criteria provided, single submitter. Criteria: Invitae Variant Classification Sherloc (09022015). Collection method: clinical testing. Allele origin: germline.
Comment: This sequence change replaces alanine, which is neutral and non-polar, with valine, which is neutral and non-polar, at codon 1055 of the DGKZ protein (p.Ala1055Val). In summary, the available evidence is currently insufficient to determine the role of this variant in disease. Therefore, it has been classified as a Variant of Uncertain Significance. Algorithms developed to predict the effect of missense changes on protein structure and function are either unavailable or do not agree on the potential impact of this missense change (SIFT: "Deleterious"; PolyPhen-2: "Probably Damaging"; Align-GVGD: "Class C0"). This variant has not been reported in the literature in individuals affected with DGKZ-related conditions. This variant is present in population databases (rs761753377, gnomAD 0.01%).

NM_001199267.2(DGKZ):c.2597C>T (p.Ala866Val)

Gene: DGKZ (diacylglycerol kinase zeta; plus strand). Cytogenetic location: 11p11.2.
Variant type: single nucleotide variant.
Coding change: c.2597C>T on transcript NM_001199267.2 (MANE Select); coding-DNA position 2597, C replaced by T.
Protein change: p.Ala866Val; replaces alanine 866 with valine.
Molecular consequence: missense variant.
Genome position (GRCh38, 1-based): chr11:46,379,495, C>T. VCF-style: chr11-46379495-C-T. GRCh37 (hg19) VCF-style: chr11-46401045-C-T.
Other names: c.3164C>T, p.Ala1055Val (NM_001105540.2); c.2615C>T, p.Ala872Val (NM_001199266.2); c.2531C>T, p.Ala844Val (NM_001199268.2); c.2600C>T, p.Ala867Val (NM_003646.4); c.2648C>T, p.Ala883Val (NM_201532.3); c.2612C>T, p.Ala871Val (NM_201533.3); short protein forms A1055V, A866V, A871V, A872V, A867V, A883V, A844V.
Identifiers: ClinVar variation 2054182 (VCV002054182.5), dbSNP rs761753377, ClinGen allele CA5963365.